The following is an entry in ClinVar:

ClinVar aggregate classification (germline): Uncertain significance (1 of 4 stars; one submission).

Conditions:
Renal cell carcinoma. Identifiers: Orphanet 217071, MedGen C0007134, MeSH D002292, MONDO:0005086, HP:0005584.

Submission:

Labcorp Genetics (formerly Invitae), Labcorp
Classification: Uncertain significance for Renal cell carcinoma. Last evaluated: 2021-10-15. Review status: criteria provided, single submitter. Criteria: Invitae Variant Classification Sherloc (09022015). Collection method: clinical testing. Allele origin: germline.
Comment: In summary, the available evidence is currently insufficient to determine the role of this variant in disease. Therefore, it has been classified as a Variant of Uncertain Significance. This variant has not been reported in the literature in individuals affected with MET-related conditions. This variant is not present in population databases (ExAC no frequency). This sequence change creates a premature translational stop signal (p.Phe736Leufs*5) in the MET gene. It is expected to result in an absent or disrupted protein product. However, the current clinical and genetic evidence is not sufficient to establish whether loss-of-function variants in MET cause disease.

NM_000245.4(MET):c.2204dup (p.Phe736fs)

Gene: MET (MET proto-oncogene, receptor tyrosine kinase; plus strand). Cytogenetic location: 7q31.2.
Variant type: Duplication.
Coding change: c.2204dup on transcript NM_000245.4 (MANE Select); coding-DNA position 2204, one base duplicated (T; older notation c.2204dupT).
Protein change: p.Phe736fs; shifts the reading frame from phenylalanine 736.
Molecular consequence: frameshift variant.
Genome position (GRCh38, 1-based): chr7:116,758,560, T duplicated. VCF-style (leftmost placement, unchanged base first): chr7-116758559-A-AT. GRCh37 (hg19) VCF-style: chr7-116398613-A-AT.
Other names: c.2204dup, p.Phe736fs (NM_001127500.3, NM_001324401.3); c.914dup, p.Phe306fs (NM_001324402.2); short protein forms F306fs, F736fs.
Identifiers: ClinVar variation 1461578 (VCV001461578.6), dbSNP rs2116931908, ClinGen allele CA2573141511.
Genomic context (GRCh38, chr7:116,758,559, plus strand): 5'-ACCATTTCAACTGAGTTTGCTGTTAAATTGAAAATTGACTTAGCCAACCGAGAGACAAGC[A>AT]TCTTCAGTTACCGTGAAGATCCCATTGTCTATGAAATTCATCCAACCAAATCTTTTATTA-3'